The following is an entry in ClinVar:

NM_182894.3(VSX2):c.419del (p.Ala139_Leu140insTer)

Gene: VSX2 (visual system homeobox 2; plus strand). Cytogenetic location: 14q24.3.
Variant type: Deletion.
Coding change: c.419del on transcript NM_182894.3 (MANE Select); coding-DNA position 419, one base deleted (T; older notation c.419delT).
Protein change: p.Ala139_Leu140insTer.
Molecular consequence: nonsense.
Genome position (GRCh38, 1-based): chr14:74,241,230, T deleted; the last of 3 consecutive T bases (chr14:74,241,228-74,241,230); deleting any one gives the same sequence. VCF-style (leftmost placement, unchanged base first): chr14-74241227-CT-C. GRCh37 (hg19) VCF-style: chr14-74707930-CT-C.
Identifiers: ClinVar variation 2032657 (VCV002032657.4), dbSNP rs2504948607, ClinGen allele CA2580088714.

ClinVar aggregate classification (germline): Pathogenic (1 of 4 stars; one submission).

Conditions:
Isolated microphthalmia 2. Identifiers: Orphanet 2542, MedGen C1864720, MONDO:0012409, OMIM 610093.

Submission:

Labcorp Genetics (formerly Invitae), Labcorp
Classification: Pathogenic for Isolated microphthalmia 2. Last evaluated: 2022-09-26. Review status: criteria provided, single submitter. Criteria: Invitae Variant Classification Sherloc (09022015). Collection method: clinical testing. Allele origin: germline.
Comment: This sequence change creates a premature translational stop signal (p.Leu140*) in the VSX2 gene. It is expected to result in an absent or disrupted protein product. Loss-of-function variants in VSX2 are known to be pathogenic (PMID: 20414678). This variant is not present in population databases (gnomAD no frequency). This variant has not been reported in the literature in individuals affected with VSX2-related conditions. For these reasons, this variant has been classified as Pathogenic.

Literature cited by the submitters: PubMed 20414678.